The following is an entry in ClinVar:

ClinVar aggregate classification (germline): Uncertain significance. Review status: criteria provided, multiple submitters, no conflicts (2 of 4 stars). 2 submissions from 2 submitters: Uncertain significance (2). Last evaluated 2022-05-18.

Conditions:
Inborn genetic diseases. Identifiers: MedGen C0950123, MeSH D030342.

Allele frequency attached by ClinVar (database versions not stated): gnomAD exomes 0.00002 and 0.00012; gnomAD 0.00003 and 0.00004; TOPMed 0.00004; ExAC 0.00012; 1000 Genomes Project 0.00020; 1000 Genomes Project 30x 0.00031.

Submissions (2):

Ambry Genetics
Classification: Uncertain significance for Inborn genetic diseases. Last evaluated: 2022-05-18. Review status: criteria provided, single submitter. Criteria: Ambry Variant Classification Scheme 2023. Collection method: clinical testing. Allele origin: germline.

GeneDx
Classification: Uncertain significance. Last evaluated: 2019-05-20. Review status: criteria provided, single submitter. Criteria: GeneDx Variant Classification Process June 2021. Collection method: clinical testing. Allele origin: germline. Affected: yes.
Comment: In silico analysis, which includes protein predictors and evolutionary conservation, supports that this variant does not alter protein structure/function; Has not been previously published as pathogenic or benign to our knowledge

NM_014704.4(CEP104):c.896G>A (p.Arg299Gln)

Gene: CEP104 (centrosomal protein 104; minus strand). Cytogenetic location: 1p36.32.
Variant type: single nucleotide variant.
Coding change: c.896G>A on transcript NM_014704.4 (MANE Select); coding-DNA position 896, G replaced by A.
Protein change: p.Arg299Gln; replaces arginine 299 with glutamine.
Molecular consequence: missense variant.
Genome position (GRCh38, 1-based): chr1:3,837,515, C>T on the plus strand (G>A on the coding strand, the complement: CEP104 is on the minus strand). VCF-style: chr1-3837515-C-T. GRCh37 (hg19) VCF-style: chr1-3754079-C-T.
Other names: short protein forms R299Q.
Identifiers: ClinVar variation 1305915 (VCV001305915.4), dbSNP rs199911672, ClinGen allele CA551769.